The following is an entry in ClinVar:

ClinVar aggregate classification (germline): Pathogenic (1 of 4 stars; one submission).

Conditions:
Nemaline myopathy 2 (NEM2). Also called: Nemaline myopathy 2, autosomal recessive. Identifiers: MedGen C1850569, MONDO:0009725, OMIM 256030.

Submission:

Labcorp Genetics (formerly Invitae), Labcorp
Classification: Pathogenic for Nemaline myopathy 2. Last evaluated: 2021-04-13. Review status: criteria provided, single submitter. Criteria: Invitae Variant Classification Sherloc (09022015). Collection method: clinical testing. Allele origin: germline.
Comment: This sequence change creates a premature translational stop signal (p.Leu1742Glnfs*9) in the NEB gene. It is expected to result in an absent or disrupted protein product. Loss-of-function variants in NEB are known to be pathogenic (PMID: 25205138). This variant is not present in population databases (ExAC no frequency). This variant has not been reported in the literature in individuals with NEB-related conditions. For these reasons, this variant has been classified as Pathogenic.

Literature cited by the submitters: PubMed 25205138.

NM_001164508.2(NEB):c.5225_5226del (p.Leu1742fs)

Gene: NEB (nebulin; minus strand). Cytogenetic location: 2q23.3.
Variant type: Deletion.
Coding change: c.5225_5226del on transcript NM_001164508.2 (MANE Select); coding-DNA positions 5225 to 5226, 2 bases deleted (TG; older notation c.5225_5226delTG).
Protein change: p.Leu1742fs; shifts the reading frame from leucine 1742.
Molecular consequence: frameshift variant.
Genome position (GRCh38, 1-based): chr2:151,665,345-151,665,346, CA deleted on the plus strand (TG on the coding strand, the reverse complement: NEB is on the minus strand). VCF-style (leftmost placement, unchanged base first): chr2-151665344-TCA-T. GRCh37 (hg19) VCF-style: chr2-152521858-TCA-T.
Other names: c.5225_5226del, p.Leu1742fs (NM_001164507.2, NM_001271208.2, NM_004543.5); short protein forms L1742fs.
Identifiers: ClinVar variation 1390265 (VCV001390265.6), dbSNP rs2154176983, ClinGen allele CA2573133256.